The following is an entry in ClinVar:

NM_015295.3(SMCHD1):c.2533C>G (p.Leu845Val)

Gene: SMCHD1 (structural maintenance of chromosomes flexible hinge domain containing 1; plus strand). Cytogenetic location: 18p11.32.
Variant type: single nucleotide variant.
Coding change: c.2533C>G on transcript NM_015295.3 (MANE Select); coding-DNA position 2533, C replaced by G.
Protein change: p.Leu845Val; replaces leucine 845 with valine.
Molecular consequence: missense variant.
Genome position (GRCh38, 1-based): chr18:2,722,593, C>G. VCF-style: chr18-2722593-C-G. GRCh37 (hg19) VCF-style: chr18-2722591-C-G.
Other names: short protein forms L845V.
Identifiers: ClinVar variation 1520278 (VCV001520278.8), dbSNP rs1173599215, ClinGen allele CA401681599.

ClinVar aggregate classification (germline): Uncertain significance (1 of 4 stars; one submission).

Conditions:
Facioscapulohumeral muscular dystrophy 2 (FSHD2). Also called: FACIOSCAPULOHUMERAL MUSCULAR DYSTROPHY 2, DIGENIC; FSHD2, DIGENIC; MUSCULAR DYSTROPHY, FACIOSCAPULOHUMERAL, TYPE 1B. Identifiers: Orphanet 269, MedGen C1834671, MONDO:0008031, OMIM 158901.

Allele frequency attached by ClinVar (database versions not stated): gnomAD 0.00001.
gnomAD v4.1: 1 of 1,613,088 alleles (0.000062%); highest among the groups gnomAD compares: Non-Finnish European, 0.000085%; no homozygotes.

Submission:

Labcorp Genetics (formerly Invitae), Labcorp
Classification: Uncertain significance for Facioscapulohumeral muscular dystrophy 2. Last evaluated: 2022-07-25. Review status: criteria provided, single submitter. Criteria: Invitae Variant Classification Sherloc (09022015). Collection method: clinical testing. Allele origin: germline.
Comment: In summary, the available evidence is currently insufficient to determine the role of this variant in disease. Therefore, it has been classified as a Variant of Uncertain Significance. Algorithms developed to predict the effect of missense changes on protein structure and function output the following: SIFT: "Tolerated"; PolyPhen-2: "Benign"; Align-GVGD: "Class C0". The valine amino acid residue is found in multiple mammalian species, which suggests that this missense change does not adversely affect protein function. ClinVar contains an entry for this variant (Variation ID: 1520278). This variant has not been reported in the literature in individuals affected with SMCHD1-related conditions. This variant is present in population databases (no rsID available, gnomAD no frequency). This sequence change replaces leucine, which is neutral and non-polar, with valine, which is neutral and non-polar, at codon 845 of the SMCHD1 protein (p.Leu845Val).